The following is an entry in ClinVar:

NM_001244926.2(PRPF4):c.1250A>G (p.Asn417Ser)

Gene: PRPF4 (pre-mRNA splicing tri-snRNP complex factor PRPF4; plus strand). Cytogenetic location: 9q32.
Variant type: single nucleotide variant.
Coding change: c.1250A>G on transcript NM_001244926.2 (MANE Select); coding-DNA position 1250, A replaced by G.
Protein change: p.Asn417Ser; replaces asparagine 417 with serine.
Molecular consequence: missense variant. On other transcripts: non-coding transcript variant (2).
Genome position (GRCh38, 1-based): chr9:113,290,804, A>G. VCF-style: chr9-113290804-A-G. GRCh37 (hg19) VCF-style: chr9-116053084-A-G.
Other names: c.524A>G, p.Asn175Ser (NM_001322266.2, NM_001322267.2); c.1253A>G, p.Asn418Ser (NM_004697.5); short protein forms N417S, N418S, N175S.
Identifiers: ClinVar variation 1346828 (VCV001346828.6), dbSNP rs764404012, ClinGen allele CA5195123.

ClinVar aggregate classification (germline): Uncertain significance (1 of 4 stars; one submission).

Allele frequency attached by ClinVar (database versions not stated): gnomAD exomes below 0.00001; ExAC 0.00001; gnomAD 0.00001; TOPMed 0.00002.
gnomAD v4.1: 4 of 1,613,794 alleles (0.00025%); highest among the groups gnomAD compares: African/African-American, 0.0013%; no homozygotes.

Submission:

Labcorp Genetics (formerly Invitae), Labcorp
Classification: Uncertain significance. Last evaluated: 2024-08-08. Review status: criteria provided, single submitter. Criteria: Invitae Variant Classification Sherloc (09022015). Collection method: clinical testing. Allele origin: germline.
Comment: This sequence change replaces asparagine, which is neutral and polar, with serine, which is neutral and polar, at codon 418 of the PRPF4 protein (p.Asn418Ser). This variant is present in population databases (rs764404012, gnomAD 0.003%). This variant has not been reported in the literature in individuals affected with PRPF4-related conditions. ClinVar contains an entry for this variant (Variation ID: 1346828). An algorithm developed to predict the effect of missense changes on protein structure and function (PolyPhen-2) suggests that this variant is likely to be disruptive. Algorithms developed to predict the effect of sequence changes on RNA splicing suggest that this variant may disrupt the consensus splice site. In summary, the available evidence is currently insufficient to determine the role of this variant in disease. Therefore, it has been classified as a Variant of Uncertain Significance.